The following is an entry in ClinVar:

ClinVar aggregate classification (germline): Uncertain significance. Review status: criteria provided, multiple submitters, no conflicts (2 of 4 stars). 2 submissions from 2 submitters: Uncertain significance (2). Last evaluated 2017-08-17.

Conditions:
Tall stature-intellectual disability-renal anomalies syndrome. Also called: Thauvin-Robinet-Faivre syndrome. Identifiers: Orphanet 500095, MedGen C4310715, MONDO:0014918, OMIM 617107.

Allele frequency attached by ClinVar (database versions not stated): gnomAD exomes below 0.00001; TOPMed 0.00001.
gnomAD v4.1: 4 of 1,561,326 alleles (0.00026%); highest among the groups gnomAD compares: Non-Finnish European, 0.00026%; no homozygotes.

Submissions (2):

GeneDx
Classification: Uncertain significance. Last evaluated: 2017-08-17. Review status: criteria provided, single submitter. Criteria: GeneDx Variant Classification (06012015). Collection method: clinical testing. Allele origin: germline. Affected: yes.
Comment: The c.86-2A>C variant in the FIBP gene has not been reported previously as a pathogenic variant nor as a benign variant, to our knowledge. This splice site variant destroys the canonical splice acceptor site in intron 1. It is predicted to cause abnormal gene splicing, either leading to an abnormal message that is subject to nonsense-mediated mRNA decay, or to an abnormal protein product if the message is used for protein translation. The c.86-2A>C variant is not observed in large population cohorts (Lek et al., 2016; 1000 Genomes Consortium et al., 2015; Exome Variant Server). We interpret c.86-2A>C as a variant of uncertain significance.

Juno Genomics, Hangzhou Juno Genomics, Inc
Classification: Uncertain significance for Tall stature-intellectual disability-renal anomalies syndrome. Review status: criteria provided, single submitter. Criteria: ACMG Guidelines, 2015. Collection method: clinical testing. Allele origin: germline.
Comment: Absent from controls (or at extremely low frequency if recessive) in Genome Aggregation Database.

NM_004214.5(FIBP):c.86-2A>C

Gene: FIBP (FGF1 intracellular binding protein; minus strand). Cytogenetic location: 11q13.1.
Variant type: single nucleotide variant.
Coding change: c.86-2A>C on transcript NM_004214.5 (MANE Select); the canonical splice acceptor site of the intron before coding-DNA position 86, A replaced by C.
Molecular consequence: splice acceptor variant.
Genome position (GRCh38, 1-based): chr11:65,888,134, T>G on the plus strand (A>C on the coding strand, the complement: FIBP is on the minus strand). VCF-style: chr11-65888134-T-G. GRCh37 (hg19) VCF-style: chr11-65655605-T-G.
Other names: c.86-2A>C (NM_198897.2).
Identifiers: ClinVar variation 451199 (VCV000451199.4), dbSNP rs1249676183, ClinGen allele CA381343702.